The following is an entry in ClinVar:

NM_001244008.2(KIF1A):c.1265_1285dup (p.Arg422_Ser428dup)

Gene: KIF1A (kinesin family member 1A; minus strand). Cytogenetic location: 2q37.3.
Variant type: Duplication.
Coding change: c.1265_1285dup on transcript NM_001244008.2 (MANE Select); coding-DNA positions 1265 to 1285, 21 bases duplicated (GCGCGGCCTCCGTGTCCAGCC).
Protein change: p.Arg422_Ser428dup.
Molecular consequence: inframe insertion.
Genome position (GRCh38, 1-based): chr2:240,771,027-240,771,047, GGCTGGACACGGAGGCCGCGC duplicated on the plus strand (GCGCGGCCTCCGTGTCCAGCC on the coding strand, the reverse complement: KIF1A is on the minus strand); duplicating any 21 consecutive bases within chr2:240,771,027-240,771,056 gives the same sequence; the c. name uses the placement nearest the transcript's 3' end. VCF-style (leftmost placement, unchanged base first): chr2-240771026-A-AGGCTGGACACGGAGGCCGCGC. GRCh37 (hg19) VCF-style: chr2-241710443-A-AGGCTGGACACGGAGGCCGCGC.
Other names: c.1265_1285dup, p.Arg422_Ser428dup (NM_001320705.2, NM_001330289.2, NM_001379638.1); c.1340_1360dup, p.Arg447_Ser453dup (NM_001330290.2, NM_001379631.1, NM_001379634.1 and 2 more transcripts); c.1238_1258dup, p.Arg413_Ser419dup (NM_001379632.1, NM_001379633.1, NM_001379636.1 and 10 more transcripts); c.1313_1333dup, p.Arg438_Ser444dup (NM_001379637.1, NM_001379648.1).
Identifiers: ClinVar variation 655181 (VCV000655181.9), dbSNP rs1575600586, ClinGen allele CA915941804.
Genomic context (GRCh38, chr2:240,771,026, plus strand): 5'-CTCACCTTCAGTCTTTCAATGGCCTCCTCGCTGCCCGGGGCAAACAAGATGCGCTCGTGG[A>AGGCTGGACACGGAGGCCGCGC]GGCTGGACACGGAGGCCGCGCGGCTGGACAGGGCTGAGAGCGAGGATGAGGGGCTCATAC-3'

ClinVar aggregate classification (germline): Uncertain significance (1 of 4 stars; one submission).

Conditions:
Neuropathy, hereditary sensory, type 2C. Also called: KIF1A-Related HSAN2 (HSAN2C); Hereditary sensory and autonomic neuropathy type IIC. Identifiers: Orphanet 970, MedGen C3280168, MONDO:0013634, OMIM 614213.
Intellectual disability, autosomal dominant 9 (NESCAVS). Also called: NESCAV SYNDROME; KIF1A-Related Neurodevelopmental Disorder. Identifiers: Orphanet 662367, MedGen C5393830, MONDO:0013656, OMIM 614255.
Hereditary spastic paraplegia 30. Identifiers: Orphanet 101010, MedGen C5235139, MONDO:0012476.

Submission:

Labcorp Genetics (formerly Invitae), Labcorp
Classification: Uncertain significance for Hereditary spastic paraplegia 30; Neuropathy, hereditary sensory, type 2C; Intellectual disability, autosomal dominant 9. Last evaluated: 2025-12-03. Review status: criteria provided, single submitter. Criteria: Invitae Variant Classification Sherloc (09022015). Collection method: clinical testing. Allele origin: germline.
Comment: This variant, c.1238_1258dup, results in the insertion of 7 amino acid(s) of the KIF1A protein (p.Arg413_Ser419dup), but otherwise preserves the integrity of the reading frame. This variant is not present in population databases (gnomAD no frequency). This variant has not been reported in the literature in individuals affected with KIF1A-related conditions. ClinVar contains an entry for this variant (Variation ID: 655181). Experimental studies and prediction algorithms are not available or were not evaluated, and the functional significance of this variant is currently unknown. In summary, the available evidence is currently insufficient to determine the role of this variant in disease. Therefore, it has been classified as a Variant of Uncertain Significance.